The following is an entry in ClinVar:

ClinVar aggregate classification (germline): Pathogenic (1 of 4 stars; one submission).

Conditions:
Peroxisome biogenesis disorder 6B (PBD6B). Identifiers: Orphanet 44, MedGen C3553948, MONDO:0013937, OMIM 614871.

Submission:

Victorian Clinical Genetics Services, Murdoch Childrens Research Institute
Classification: Pathogenic for Peroxisome biogenesis disorder 6B. Last evaluated: 2021-05-06. Review status: criteria provided, single submitter. Criteria: ACMG Guidelines, 2015. Collection method: clinical testing. Allele origin: germline. Inheritance: Autosomal recessive inheritance.
Comment: Based on the classification scheme VCGS_Germline_v1.3.4, this variant is classified as Pathogenic. Following criteria are met: 0102 - Loss of function is a known mechanism of disease in this gene and is associated with Peroxisome biogenesis disorder 6A (Zellweger) (MIM#614870) and Peroxisome biogenesis disorder 6B (MIM#614871). (I) 0106 - This gene is associated with autosomal recessive disease. (I) 0201 - Variant is predicted to cause nonsense-mediated decay (NMD) and loss of protein (premature termination codon is located at least 54 nucleotides upstream of the final exon-exon junction). (SP) 0251 - This variant is heterozygous. (I) 0301 - Variant is absent from gnomAD (both v2 and v3). (SP) 0701 - Other NMD predicted variants comparable to the one identified in this case have very strong previous evidence for pathogenicity (ClinVar). (SP) 0807 - This variant has no previous evidence of pathogenicity. (I) 0905 - No published segregation evidence has been identified for this variant. (I) 1007 - No published functional evidence has been identified for this variant. (I) 1208 - Inheritance information for this variant is not currently available in this individual. (I) Legend: (SP) - Supporting pathogenic, (I) - Information, (SB) - Supporting benign

NM_002617.4(PEX10):c.637dup (p.Ala213fs)

Gene: PEX10 (peroxisomal biogenesis factor 10; minus strand). Cytogenetic location: 1p36.32.
Variant type: Duplication.
Coding change: c.637dup on transcript NM_002617.4 (MANE Select); coding-DNA position 637, one base duplicated (G; older notation c.637dupG).
Protein change: p.Ala213fs; shifts the reading frame from alanine 213.
Molecular consequence: frameshift variant. On other transcripts: non-coding transcript variant (1).
Genome position (GRCh38, 1-based): chr1:2,406,859, C duplicated on the plus strand (G on the coding strand, the reverse complement: PEX10 is on the minus strand); the first of 3 consecutive C bases (chr1:2,406,859-2,406,861); duplicating any one gives the same sequence. VCF-style (leftmost placement, unchanged base first): chr1-2406858-G-GC. GRCh37 (hg19) VCF-style: chr1-2338297-G-GC.
Other names: c.694dup, p.Ala232fs (NM_001374425.1); c.262dup, p.Ala88fs (NM_001374426.1); c.205dup, p.Ala69fs (NM_001374427.1); c.697dup, p.Ala233fs (NM_153818.2); short protein forms A213fs, A232fs, A233fs, A69fs, A88fs.
Identifiers: ClinVar variation 1804978 (VCV001804978.1), dbSNP rs2522260588, ClinGen allele CA1139771260.